The following is an entry in ClinVar:

NM_000400.4(ERCC2):c.460del (p.His154fs)

Gene: ERCC2 (ERCC excision repair 2, TFIIH core complex helicase subunit; minus strand). Cytogenetic location: 19q13.32.
Variant type: Deletion.
Coding change: c.460del on transcript NM_000400.4 (MANE Select); coding-DNA position 460, one base deleted (C; older notation c.460delC).
Protein change: p.His154fs; shifts the reading frame from histidine 154.
Molecular consequence: frameshift variant.
Genome position (GRCh38, 1-based): chr19:45,365,059, G deleted on the plus strand (C on the coding strand, the reverse complement: ERCC2 is on the minus strand); the first of 4 consecutive G bases (chr19:45,365,059-45,365,062); deleting any one gives the same sequence. VCF-style (leftmost placement, unchanged base first): chr19-45365058-TG-T. GRCh37 (hg19) VCF-style: chr19-45868316-TG-T.
Other names: c.388del, p.His130fs (NM_001130867.2); short protein forms H130fs, H154fs.
Identifiers: ClinVar variation 2905818 (VCV002905818.4), dbSNP rs2514034822, ClinGen allele CA2585788990.

ClinVar aggregate classification (germline): Pathogenic/Likely pathogenic. Review status: criteria provided, multiple submitters, no conflicts (2 of 4 stars). 2 submissions from 2 submitters: Pathogenic (1); Likely pathogenic (1). Last evaluated 2023-06-20.

Conditions:
ERCC2-related disorder. Also called: ERCC2-related disorders; ERCC2-related conditions; ERCC2-related condition. Identifiers: MedGen CN239291.

Submissions (2):

Labcorp Genetics (formerly Invitae), Labcorp
Classification: Pathogenic. Last evaluated: 2023-06-20. Review status: criteria provided, single submitter. Criteria: Invitae Variant Classification Sherloc (09022015). Collection method: clinical testing. Allele origin: germline.
Comment: This sequence change creates a premature translational stop signal (p.His154Thrfs*27) in the ERCC2 gene. It is expected to result in an absent or disrupted protein product. Loss-of-function variants in ERCC2 are known to be pathogenic (PMID: 9238033, 11335038, 19085937, 19934020). This variant is not present in population databases (gnomAD no frequency). This variant has not been reported in the literature in individuals affected with ERCC2-related conditions. For these reasons, this variant has been classified as Pathogenic.

Blueprint Genetics
Classification: Likely pathogenic for ERCC2-related disorders. Last evaluated: 2022-05-27. Review status: criteria provided, single submitter. Criteria: ACMG Guidelines, 2015. Collection method: clinical testing. Allele origin: germline. Affected: yes. Observed: 2 variant alleles.

Literature cited by the submitters: PubMed 9238033 (cited by Labcorp Genetics (formerly Invitae), Labcorp); PubMed 11335038 (cited by Labcorp Genetics (formerly Invitae), Labcorp); PubMed 19085937 (cited by Labcorp Genetics (formerly Invitae), Labcorp); PubMed 19934020 (cited by Labcorp Genetics (formerly Invitae), Labcorp).